The following is an entry in ClinVar:

ClinVar aggregate classification (germline): Likely benign (1 of 4 stars; one submission).

Conditions:
Classic lissencephaly. Also called: Type I lissencephaly. Identifiers: Orphanet 102009, MedGen C0431375, MONDO:0015146, HP:0006818.

Allele frequency attached by ClinVar (database versions not stated): TOPMed below 0.00001.

Submission:

Labcorp Genetics (formerly Invitae), Labcorp
Classification: Likely benign. Last evaluated: 2023-08-04. Review status: criteria provided, single submitter. Criteria: Invitae Variant Classification Sherloc (09022015). Collection method: clinical testing. Allele origin: germline.

NM_000430.4(PAFAH1B1):c.1070C>G (p.Ala357Gly)

Gene: PAFAH1B1 (platelet activating factor acetylhydrolase 1b regulatory subunit 1; plus strand). Cytogenetic location: 17p13.3.
Variant type: single nucleotide variant.
Coding change: c.1070C>G on transcript NM_000430.4 (MANE Select); coding-DNA position 1070, C replaced by G.
Protein change: p.Ala357Gly; replaces alanine 357 with glycine.
Molecular consequence: missense variant.
Genome position (GRCh38, 1-based): chr17:2,680,231, C>G. VCF-style: chr17-2680231-C-G. GRCh37 (hg19) VCF-style: chr17-2583525-C-G.
Other names: c.1070C>G (NM_000430.3); short protein forms A357G.
Identifiers: ClinVar variation 1605218 (VCV001605218.9), dbSNP rs2069359491, ClinGen allele CA397642516.
Genomic context (GRCh38, chr17:2,680,231, plus strand): 5'-ATGATAACTGGGTACGTGGAGTTCTGTTCCATTCTGGGGGGAAGTTTATTTTGAGTTGTG[C>G]TGATGACAAGACCCTACGCGTATGGGATTACAAGAACAAGCGATGCATGAAGACCCTCAA-3'
Protein context (NP_000421.1, residues 347-367): HSGGKFILSC[Ala357Gly]DDKTLRVWDY